The following is an entry in ClinVar:

NM_002878.4(RAD51D):c.577-211T>C

Genes: RAD51D (RAD51 paralog D; minus strand), RAD51L3-RFFL (RAD51L3-RFFL readthrough; minus strand). Cytogenetic location: 17q12.
Variant type: single nucleotide variant.
Coding change: c.577-211T>C on transcript NM_002878.4 (MANE Select); 211 bases into the intron before coding-DNA position 577, T replaced by C.
Molecular consequence: intron variant.
Genome position (GRCh38, 1-based): chr17:35,103,755, A>G on the plus strand (T>C on the coding strand, the complement: RAD51D is on the minus strand). VCF-style: chr17-35103755-A-G. GRCh37 (hg19) VCF-style: chr17-33430774-A-G.
Other names: c.241-211T>C (NM_133629.3); c.637-211T>C (NM_001142571.2).
Identifiers: ClinVar variation 679768 (VCV000679768.2), dbSNP rs28363281, ClinGen allele CA14486607.

ClinVar aggregate classification (germline): Likely benign. Review status: criteria provided, multiple submitters, no conflicts (2 of 4 stars). 2 submissions from 2 submitters: Likely benign (2). Last evaluated 2018-06-15.

Allele frequency attached by ClinVar (database versions not stated): 1000 Genomes Project 30x 0.00812; 1000 Genomes Project 0.00839; TOPMed 0.01215; gnomAD 0.01253 and 0.01276.
gnomAD v4.1: 1,911 of 152,360 alleles (1.3%); highest among the groups gnomAD compares: Non-Finnish European, 2%; 16 homozygotes.

Submissions (2):

GeneDx
Classification: Likely benign. Last evaluated: 2018-06-15. Review status: criteria provided, single submitter. Criteria: GeneDx Variant Classification (06012015). Collection method: clinical testing. Allele origin: germline. Affected: yes.
Comment: This variant is considered likely benign or benign based on one or more of the following criteria: it is a conservative change, it occurs at a poorly conserved position in the protein, it is predicted to be benign by multiple in silico algorithms, and/or has population frequency not consistent with disease.

Breakthrough Genomics
Classification: Likely benign. Review status: criteria provided, single submitter. Criteria: ACMG Guidelines, 2015. Collection method: not provided. Allele origin: germline. Inheritance: Unknown mechanism. Affected: yes.